The following is an entry in ClinVar:

ClinVar aggregate classification (germline): Uncertain significance (1 of 4 stars; one submission).

Conditions:
Hereditary hemorrhagic telangiectasia (HHT). Also called: ORW DISEASE; Osler Weber Rendu syndrome; OSLER-RENDU-WEBER DISEASE; Osler hemorrhagic telangiectasia syndrome. Identifiers: Orphanet 774, MedGen C0039445, MONDO:0019180. Disease mechanism: loss of function.

Submission:

Labcorp Genetics (formerly Invitae), Labcorp
Classification: Uncertain significance for Hereditary hemorrhagic telangiectasia. Last evaluated: 2021-05-31. Review status: criteria provided, single submitter. Criteria: Invitae Variant Classification Sherloc (09022015). Collection method: clinical testing. Allele origin: germline.
Comment: This sequence change replaces aspartic acid with tyrosine at codon 365 of the ENG protein (p.Asp365Tyr). The aspartic acid residue is weakly conserved and there is a large physicochemical difference between aspartic acid and tyrosine. This variant is not present in population databases (ExAC no frequency). This variant has not been reported in the literature in individuals with ENG-related conditions. Advanced modeling of protein sequence and biophysical properties (such as structural, functional, and spatial information, amino acid conservation, physicochemical variation, residue mobility, and thermodynamic stability) performed at Invitae indicates that this missense variant is not expected to disrupt ENG protein function. In summary, the available evidence is currently insufficient to determine the role of this variant in disease. Therefore, it has been classified as a Variant of Uncertain Significance.

NM_001114753.3(ENG):c.1093G>T (p.Asp365Tyr)

Gene: ENG (endoglin; minus strand). Cytogenetic location: 9q34.11.
Variant type: single nucleotide variant.
Coding change: c.1093G>T on transcript NM_001114753.3 (MANE Select); coding-DNA position 1093, G replaced by T.
Protein change: p.Asp365Tyr; replaces aspartic acid 365 with tyrosine.
Molecular consequence: missense variant.
Genome position (GRCh38, 1-based): chr9:127,824,345, C>A on the plus strand (G>T on the coding strand, the complement: ENG is on the minus strand). VCF-style: chr9-127824345-C-A. GRCh37 (hg19) VCF-style: chr9-130586624-C-A.
Other names: c.1093G>T, p.Asp365Tyr (NM_000118.4, NM_001406715.1); c.547G>T, p.Asp183Tyr (NM_001278138.2); short protein forms D183Y, D365Y.
Identifiers: ClinVar variation 1411297 (VCV001411297.9), dbSNP rs548690138, ClinGen allele CA374980733.